The following is an entry in ClinVar:

NM_001378615.1(CC2D2A):c.4244G>T (p.Gly1415Val)

Genes: CC2D2A (coiled-coil and C2 domain containing 2A; plus strand), FBXL5 (F-box and leucine rich repeat protein 5; minus strand). Cytogenetic location: 4p15.32.
Variant type: single nucleotide variant.
Coding change: c.4244G>T on transcript NM_001378615.1 (MANE Select); coding-DNA position 4244, G replaced by T.
Protein change: p.Gly1415Val; replaces glycine 1415 with valine.
Molecular consequence: missense variant.
Genome position (GRCh38, 1-based): chr4:15,589,609, G>T. VCF-style: chr4-15589609-G-T. GRCh37 (hg19) VCF-style: chr4-15591232-G-T.
Other names: c.4244G>T, p.Gly1415Val (NM_001080522.2); c.4097G>T, p.Gly1366Val (NM_001378617.1); short protein forms G1366V, G1415V.
Identifiers: ClinVar variation 1806700 (VCV001806700.3), dbSNP rs771657471, ClinGen allele CA2864360.
Genomic context (GRCh38, chr4:15,589,609, plus strand): 5'-CAACTGCCTATGTGCTAACTTGGGAGCAAGGTCGTTATTTAATATGGAATCCCTGCAGTG[G>T]ACATTTTTATGGACAATTTGATACATTCTGTCCCTTGAAAAATGTGGGCTGTTTAATAGG-3'
Protein context (NP_001365544.1, residues 1405-1425): GRYLIWNPCS[Gly1415Val]HFYGQFDTFC

ClinVar aggregate classification (germline): Uncertain significance. Review status: criteria provided, multiple submitters, no conflicts (2 of 4 stars). 2 submissions from 2 submitters: Uncertain significance (2). Last evaluated 2022-08-07.

Conditions:
Joubert syndrome. Also called: Familial aplasia of the vermis; JOUBERT-BOLTSHAUSER SYNDROME. Identifiers: Orphanet 475, MedGen C5979921, MONDO:0018772.
Meckel-Gruber syndrome. Also called: Dysencephalia splachnocystica; DYSENCEPHALIA SPLANCHNOCYSTICA; GRUBER SYNDROME. Identifiers: Orphanet 564, MedGen C0265215, MONDO:0018921.

Allele frequency attached by ClinVar (database versions not stated): gnomAD exomes below 0.00001; TOPMed below 0.00001; ExAC 0.00001.
gnomAD v4.1: 2 of 1,612,548 alleles (0.00012%); highest among the groups gnomAD compares: Admixed American, 0.0033%; no homozygotes.

Submissions (2):

Labcorp Genetics (formerly Invitae), Labcorp
Classification: Uncertain significance for Joubert syndrome; Meckel-Gruber syndrome. Last evaluated: 2022-08-07. Review status: criteria provided, single submitter. Criteria: Invitae Variant Classification Sherloc (09022015). Collection method: clinical testing. Allele origin: germline.
Comment: This sequence change replaces glycine, which is neutral and non-polar, with valine, which is neutral and non-polar, at codon 1415 of the CC2D2A protein (p.Gly1415Val). This variant is present in population databases (rs771657471, gnomAD 0.006%). This variant has not been reported in the literature in individuals affected with CC2D2A-related conditions. Advanced modeling of protein sequence and biophysical properties (such as structural, functional, and spatial information, amino acid conservation, physicochemical variation, residue mobility, and thermodynamic stability) performed at Invitae indicates that this missense variant is expected to disrupt CC2D2A protein function. In summary, the available evidence is currently insufficient to determine the role of this variant in disease. Therefore, it has been classified as a Variant of Uncertain Significance.

GeneDx
Classification: Uncertain significance. Last evaluated: 2022-06-20. Review status: criteria provided, single submitter. Criteria: GeneDx Variant Classification Process June 2021. Collection method: clinical testing. Allele origin: germline. Affected: yes.
Comment: Not observed at significant frequency in large population cohorts (gnomAD); In silico analysis supports that this missense variant has a deleterious effect on protein structure/function; Has not been previously published as pathogenic or benign to our knowledge